The following is an entry in ClinVar:

ClinVar aggregate classification (germline): Uncertain significance (1 of 4 stars; one submission).

Submission:

Dasa
Classification: Uncertain significance. Last evaluated: 2026-04-15. Review status: criteria provided, single submitter. Criteria: DASA Assertion Criteria. Collection method: clinical testing. Allele origin: germline.
Comment: NM_024817.3(THSD4):c.71G>A (p.Cys24Tyr) is a missense variant that results in the substitution of cysteine with tyrosine. This variant is rare in population databases. Computational prediction algorithms are consistent with a benign effect. The currently available literature and clinical evidence are not sufficient to establish a definitive association between this variant and the reported condition. Therefore, this variant is classified as a variant of uncertain significance.

NM_024817.3(THSD4):c.71G>A (p.Cys24Tyr)

Genes: THSD4 (thrombospondin type 1 domain containing 4; plus strand), LOC126862168 (MED14-independent group 3 enhancer GRCh37_chr15:71446356-71447555; plus strand). Cytogenetic location: 15q23.
Variant type: single nucleotide variant.
Coding change: c.71G>A on transcript NM_024817.3 (MANE Select); coding-DNA position 71, G replaced by A.
Protein change: p.Cys24Tyr; replaces cysteine 24 with tyrosine.
Molecular consequence: missense variant.
Genome position (GRCh38, 1-based): chr15:71,154,904, G>A. VCF-style: chr15-71154904-G-A. GRCh37 (hg19) VCF-style: chr15-71447243-G-A.
Other names: c.71G>A, p.Cys24Tyr (NM_001394532.1); short protein forms C24Y.
Identifiers: ClinVar variation 4883133 (VCV004883133.2).